The following is an entry in ClinVar:

ClinVar aggregate classification (germline): Uncertain significance (1 of 4 stars; one submission).

Conditions:
Capillary malformation-arteriovenous malformation syndrome. Also called: Capillary malformation-arteriovenous malformation. Identifiers: Orphanet 137667, MedGen C1842180, MONDO:0012016.

Allele frequency attached by ClinVar (database versions not stated): gnomAD 0.00001; gnomAD exomes below 0.00001; TOPMed below 0.00001; ExAC 0.00001.
gnomAD v4.1: 3 of 1,611,614 alleles (0.00019%); highest among the groups gnomAD compares: Non-Finnish European, 0.00025%; no homozygotes.

Submission:

Labcorp Genetics (formerly Invitae), Labcorp
Classification: Uncertain significance for Capillary malformation-arteriovenous malformation syndrome. Last evaluated: 2022-07-05. Review status: criteria provided, single submitter. Criteria: Invitae Variant Classification Sherloc (09022015). Collection method: clinical testing. Allele origin: germline.
Comment: This sequence change falls in intron 19 of the RASA1 gene. It does not directly change the encoded amino acid sequence of the RASA1 protein. It affects a nucleotide within the consensus splice site. In summary, the available evidence is currently insufficient to determine the role of this variant in disease. Therefore, it has been classified as a Variant of Uncertain Significance. Variants that disrupt the consensus splice site are a relatively common cause of aberrant splicing (PMID: 17576681, 9536098). Algorithms developed to predict the effect of sequence changes on RNA splicing suggest that this variant is not likely to affect RNA splicing. ClinVar contains an entry for this variant (Variation ID: 1450779). This variant has not been reported in the literature in individuals affected with RASA1-related conditions. This variant is present in population databases (rs763113460, gnomAD 0.0009%).

Literature cited by the submitters: PubMed 17576681; PubMed 9536098.

NM_002890.3(RASA1):c.2603+3A>G

Genes: CCNH (cyclin H; minus strand), RASA1 (RAS p21 protein activator 1; plus strand). Cytogenetic location: 5q14.3.
Variant type: single nucleotide variant.
Coding change: c.2603+3A>G on transcript NM_002890.3 (MANE Select); 3 bases into the intron after coding-DNA position 2603, A replaced by G.
Molecular consequence: intron variant.
Genome position (GRCh38, 1-based): chr5:87,379,853, A>G. VCF-style: chr5-87379853-A-G. GRCh37 (hg19) VCF-style: chr5-86675670-A-G.
Other names: c.2072+3A>G (NM_022650.3); c.933+15191T>C (NM_001364075.2).
Identifiers: ClinVar variation 1450779 (VCV001450779.6), dbSNP rs763113460, ClinGen allele CA3336028.